The following is an entry in ClinVar:

NM_005912.3(MC4R):c.809C>T (p.Ser270Phe)

Gene: MC4R (melanocortin 4 receptor; minus strand). Cytogenetic location: 18q21.32.
Variant type: single nucleotide variant.
Coding change: c.809C>T on transcript NM_005912.3 (MANE Select); coding-DNA position 809, C replaced by T.
Protein change: p.Ser270Phe; replaces serine 270 with phenylalanine.
Molecular consequence: missense variant.
Genome position (GRCh38, 1-based): chr18:60,371,541, G>A on the plus strand (C>T on the coding strand, the complement: MC4R is on the minus strand). VCF-style: chr18-60371541-G-A. GRCh37 (hg19) VCF-style: chr18-58038774-G-A.
Other names: short protein forms S270F.
Identifiers: ClinVar variation 4812841 (VCV004812841.2).

ClinVar aggregate classification (germline): Likely pathogenic (1 of 4 stars; one submission).

Conditions:
Early onset severe obesity. Identifiers: MedGen C4013980.

Submission:

Cambridge Genomics Laboratory, East Genomic Laboratory Hub, NHS Genomic Medicine Service
Classification: Likely pathogenic for Severe early-onset obesity. Last evaluated: 2025-02-19. Review status: criteria provided, single submitter. Criteria: ACGS Best Practice Guidelines for Variant Classification in Rare Disease 2020. Collection method: clinical testing. Allele origin: germline. Affected: yes.
Comment: PM1,PM2,BP4,PP4,PS4_Mod